The following is an entry in ClinVar:

NM_004415.4(DSP):c.2861_2862delinsTT (p.Cys954Phe)

Gene: DSP (desmoplakin; plus strand). Cytogenetic location: 6p24.3.
Variant type: Indel.
Coding change: c.2861_2862delinsTT on transcript NM_004415.4 (MANE Select); coding-DNA positions 2861 to 2862, GC replaced by TT.
Protein change: p.Cys954Phe; replaces cysteine 954 with phenylalanine.
Molecular consequence: missense variant.
Genome position (GRCh38, 1-based): chr6:7,577,026-7,577,027, GC replaced by TT. VCF-style: chr6-7577026-GC-TT. GRCh37 (hg19) VCF-style: chr6-7577259-GC-TT.
Other names: c.2861_2862delinsTT, p.Cys954Phe (NM_001008844.3, NM_001319034.2); short protein forms C954F.
Identifiers: ClinVar variation 4757037 (VCV004757037.1).

ClinVar aggregate classification (germline): Uncertain significance (1 of 4 stars; one submission).

Conditions:
Cardiomyopathy (CMYO). Also called: Cardiomyopathies. Identifiers: Orphanet 167848, MedGen C0878544, MONDO:0004994, HP:0001638. Inheritance: Various modes of inheritance.

Submission:

Color Diagnostics, LLC DBA Color Health
Classification: Uncertain significance for Cardiomyopathy. Last evaluated: 2025-06-09. Review status: criteria provided, single submitter. Criteria: ACMG Guidelines, 2015. Collection method: clinical testing. Allele origin: germline.
Comment: This missense variant replaces cysteine with phenylalanine at codon 954 of the DSP protein. To our knowledge, functional studies have not been reported for this variant. This variant has not been reported in individuals affected with DSP-related disorders in the literature. This variant has not been identified in the general population by the Genome Aggregation Database (gnomAD). The available evidence is insufficient to determine the role of this variant in disease conclusively. Therefore, this variant is classified as a Variant of Uncertain Significance.